The following is an entry in ClinVar:

ClinVar aggregate classification (germline): Conflicting classifications of pathogenicity. Review status: criteria provided, conflicting classifications (1 of 4 stars). 2 submissions from 2 submitters: Uncertain significance (1); Likely benign (1). Last evaluated 2023-11-17.

Conditions:
Cardiovascular phenotype. Identifiers: MedGen CN230736.

Allele frequency attached by ClinVar (database versions not stated): gnomAD exomes below 0.00001; gnomAD 0.00001; TOPMed 0.00001.
gnomAD v4.1: 2 of 1,614,036 alleles (0.00012%); highest among the groups gnomAD compares: African/African-American, 0.0013%; no homozygotes.

Submissions (2):

Ambry Genetics
Classification: Uncertain significance for Cardiovascular phenotype. Last evaluated: 2023-11-17. Review status: criteria provided, single submitter. Criteria: Ambry Variant Classification Scheme 2023. Collection method: clinical testing. Allele origin: germline.
Comment: The c.445+3G>A intronic variant results from a G to A substitution 3 nucleotides after coding exon 3 in the SCN3B gene. This nucleotide position is not well conserved in available vertebrate species. In silico splice site analysis predicts that this alteration will not have any significant effect on splicing. The evidence for this gene-disease relationship is limited; therefore, the clinical significance of this alteration is unclear.

GeneDx
Classification: Likely benign. Last evaluated: 2015-10-28. Review status: criteria provided, single submitter. Criteria: GeneDx Variant Classification (06012015). Collection method: clinical testing. Allele origin: germline. Affected: yes.
Comment: This variant is considered likely benign or benign based on one or more of the following criteria: it is a conservative change, it occurs at a poorly conserved position in the protein, it is predicted to be benign by multiple in silico algorithms, and/or has population frequency not consistent with disease.

NM_001040151.2(SCN3B):c.445+3G>A

Gene: SCN3B (sodium voltage-gated channel beta subunit 3; minus strand). Cytogenetic location: 11q24.1.
Variant type: single nucleotide variant.
Coding change: c.445+3G>A on transcript NM_001040151.2 (MANE Select); 3 bases into the intron after coding-DNA position 445, G replaced by A.
Molecular consequence: intron variant.
Genome position (GRCh38, 1-based): chr11:123,642,443, C>T on the plus strand (G>A on the coding strand, the complement: SCN3B is on the minus strand). VCF-style: chr11-123642443-C-T. GRCh37 (hg19) VCF-style: chr11-123513151-C-T.
Other names: c.445+3G>A (NM_018400.4).
Identifiers: ClinVar variation 378923 (VCV000378923.2), dbSNP rs996152549, ClinGen allele CA16606261.